The following is an entry in ClinVar:

NM_006445.4(PRPF8):c.4503T>C (p.Leu1501=)

Gene: PRPF8 (pre-mRNA processing factor 8; minus strand). Cytogenetic location: 17p13.3.
Variant type: single nucleotide variant.
Coding change: c.4503T>C on transcript NM_006445.4 (MANE Select); coding-DNA position 4503, T replaced by C.
Protein change: p.Leu1501=; no amino-acid change (leucine 1501 retained).
Molecular consequence: synonymous variant.
Genome position (GRCh38, 1-based): chr17:1,660,998, A>G on the plus strand (T>C on the coding strand, the complement: PRPF8 is on the minus strand). VCF-style: chr17-1660998-A-G. GRCh37 (hg19) VCF-style: chr17-1564292-A-G.
Identifiers: ClinVar variation 730346 (VCV000730346.15), dbSNP rs34536905, ClinGen allele CA8271659.

ClinVar aggregate classification (germline): Benign/Likely benign. Review status: criteria provided, multiple submitters, no conflicts (2 of 4 stars). 3 submissions from 3 submitters: Benign (1); Likely benign (2). Last evaluated 2026-03-01.

Allele frequency attached by ClinVar (database versions not stated): gnomAD exomes 0.00090; ExAC 0.00115; gnomAD 0.00349 and 0.00369; TOPMed 0.00382; ESP Exome Variant Server 0.00454; 1000 Genomes Project 0.00499; 1000 Genomes Project 30x 0.00593.
gnomAD v4.1: 1,033 of 1,613,928 alleles (0.064%); highest among the groups gnomAD compares: African/African-American, 1.2%; 12 homozygotes.

Submissions (3):

CeGaT Center for Human Genetics Tuebingen
Classification: Likely benign. Last evaluated: 2026-03-01. Review status: criteria provided, single submitter. Criteria: CeGaT Center For Human Genetics Tuebingen Variant Classification Criteria Version 2. Collection method: clinical testing. Allele origin: germline. Affected: yes. Observed: 1 variant allele.
Comment: PRPF8: BP4, BP7, BS1

Labcorp Genetics (formerly Invitae), Labcorp
Classification: Benign. Last evaluated: 2026-01-26. Review status: criteria provided, single submitter. Criteria: Invitae Variant Classification Sherloc (09022015). Collection method: clinical testing. Allele origin: germline.

Blueprint Genetics
Classification: Likely benign. Last evaluated: 2024-02-28. Review status: criteria provided, single submitter. Criteria: ACMG Guidelines, 2015. Collection method: clinical testing. Allele origin: germline.